The following is an entry in ClinVar:

ClinVar aggregate classification (germline): Uncertain significance. Review status: criteria provided, multiple submitters, no conflicts (2 of 4 stars). 2 submissions from 2 submitters: Uncertain significance (2). Last evaluated 2025-05-25.

Conditions:
Inborn genetic diseases. Identifiers: MedGen C0950123, MeSH D030342.
Martsolf syndrome (MARTS). Also called: Congenital cataract with intellectual disability and hypogonadotropic hypogonadism syndrome. Identifiers: Orphanet 1387, MedGen C0796037, MONDO:0023910.
Warburg micro syndrome 2 (WARBM2). Also called: MICRO SYNDROME 2. Identifiers: Orphanet 2510, MedGen C3280214, MONDO:0013641, OMIM 614225.

Allele frequency attached by ClinVar (database versions not stated): gnomAD 0.00002; TOPMed 0.00004.
gnomAD v4.1: 34 of 1,607,638 alleles (0.0021%); highest among the groups gnomAD compares: East Asian, 0.025%; no homozygotes.

Submissions (2):

Ambry Genetics
Classification: Uncertain significance for Inborn genetic diseases. Last evaluated: 2025-05-25. Review status: criteria provided, single submitter. Criteria: Ambry Variant Classification Scheme 2023. Collection method: clinical testing. Allele origin: germline.

Labcorp Genetics (formerly Invitae), Labcorp
Classification: Uncertain significance for Martsolf syndrome; Warburg micro syndrome 2. Last evaluated: 2021-08-13. Review status: criteria provided, single submitter. Criteria: Invitae Variant Classification Sherloc (09022015). Collection method: clinical testing. Allele origin: germline.
Comment: This sequence change replaces arginine with cysteine at codon 1032 of the RAB3GAP2 protein (p.Arg1032Cys). The arginine residue is weakly conserved and there is a large physicochemical difference between arginine and cysteine. This variant is present in population databases (rs777414532, ExAC 0.08%). This variant has not been reported in the literature in individuals affected with RAB3GAP2-related conditions. Algorithms developed to predict the effect of missense changes on protein structure and function (SIFT, PolyPhen-2, Align-GVGD) all suggest that this variant is likely to be tolerated. In summary, the available evidence is currently insufficient to determine the role of this variant in disease. Therefore, it has been classified as a Variant of Uncertain Significance.

NM_012414.4(RAB3GAP2):c.3094C>T (p.Arg1032Cys)

Gene: RAB3GAP2 (RAB3 GTPase activating non-catalytic protein subunit 2; minus strand). Cytogenetic location: 1q41.
Variant type: single nucleotide variant.
Coding change: c.3094C>T on transcript NM_012414.4 (MANE Select); coding-DNA position 3094, C replaced by T.
Protein change: p.Arg1032Cys; replaces arginine 1032 with cysteine.
Molecular consequence: missense variant.
Genome position (GRCh38, 1-based): chr1:220,164,793, G>A on the plus strand (C>T on the coding strand, the complement: RAB3GAP2 is on the minus strand). VCF-style: chr1-220164793-G-A. GRCh37 (hg19) VCF-style: chr1-220338135-G-A.
Other names: c.3094C>T (NM_012414.3); short protein forms R1032C.
Identifiers: ClinVar variation 1446439 (VCV001446439.7), dbSNP rs777414532, ClinGen allele CA1402245.